The following is an entry in ClinVar:

NM_021254.4(CFAP298):c.566C>T (p.Ala189Val)

Genes: CFAP298 (cilia and flagella associated protein 298; minus strand), CFAP298-TCP10L (CFAP298-TCP10L readthrough; minus strand). Cytogenetic location: 21q22.11.
Variant type: single nucleotide variant.
Coding change: c.566C>T on transcript NM_021254.4 (MANE Select); coding-DNA position 566, C replaced by T.
Protein change: p.Ala189Val; replaces alanine 189 with valine.
Molecular consequence: missense variant. On other transcripts: non-coding transcript variant (2).
Genome position (GRCh38, 1-based): chr21:32,603,261, G>A on the plus strand (C>T on the coding strand, the complement: CFAP298 is on the minus strand). VCF-style: chr21-32603261-G-A. GRCh37 (hg19) VCF-style: chr21-33975571-G-A.
Other names: c.566C>T, p.Ala189Val (NM_001350338.2, NM_001350335.2, NM_001350336.2 and 1 more transcripts); c.269C>T, p.Ala90Val (NM_001350334.2); short protein forms A189V, A90V.
Identifiers: ClinVar variation 3623967 (VCV003623967.2).
Genomic context (GRCh38, chr21:32,603,261, plus strand): 5'-CCCACGTAGTCTGAAAGCTTCTTCGTTCTTCTCAGCTCCTTGGCTGCCCACCACAGCTGC[G>A]CCTCTGCCTCTTTAATGACGTTGAGCCCTGCCTGGGGCCAGTCGTAAGAATGGCTTGACT-3'
Protein context (NP_067077.1, residues 179-199): AGLNVIKEAE[Ala189Val]QLWWAAKELR

ClinVar aggregate classification (germline): Uncertain significance (1 of 4 stars; one submission).

gnomAD v4.1: 6 of 1,613,864 alleles (0.00037%); highest among the groups gnomAD compares: African/African-American, 0.0013%; no homozygotes.

Submission:

Labcorp Genetics (formerly Invitae), Labcorp
Classification: Uncertain significance. Last evaluated: 2024-10-18. Review status: criteria provided, single submitter. Criteria: Invitae Variant Classification Sherloc (09022015). Collection method: clinical testing. Allele origin: germline.
Comment: This sequence change replaces alanine, which is neutral and non-polar, with valine, which is neutral and non-polar, at codon 189 of the CFAP298 protein (p.Ala189Val). This variant is present in population databases (rs768474710, gnomAD 0.007%). This variant has not been reported in the literature in individuals affected with CFAP298-related conditions. An algorithm developed to predict the effect of missense changes on protein structure and function (PolyPhen-2) suggests that this variant is likely to be tolerated. In summary, the available evidence is currently insufficient to determine the role of this variant in disease. Therefore, it has been classified as a Variant of Uncertain Significance.